The following is an entry in ClinVar:

ClinVar aggregate classification (germline): Uncertain significance. Review status: criteria provided, multiple submitters, no conflicts (2 of 4 stars). 2 submissions from 2 submitters: Uncertain significance (2). Last evaluated 2025-02-18.

Conditions:
Infantile spasms. Also called: Infantile spasm. Identifiers: MedGen C3887898, HP:0012469.

Allele frequency attached by ClinVar (database versions not stated): gnomAD exomes 0.00004 and 0.00008; ExAC 0.00005; gnomAD 0.00006 and 0.00007; TOPMed 0.00007; ESP Exome Variant Server 0.00015.
gnomAD v4.1: 130 of 1,614,080 alleles (0.0081%); highest among the groups gnomAD compares: Non-Finnish European, 0.011%; 1 homozygote.

Submissions (2):

Labcorp Genetics (formerly Invitae), Labcorp
Classification: Uncertain significance for Infantile spasms. Last evaluated: 2025-02-18. Review status: criteria provided, single submitter. Criteria: Invitae Variant Classification Sherloc (09022015). Collection method: clinical testing. Allele origin: germline.
Comment: This sequence change replaces valine, which is neutral and non-polar, with methionine, which is neutral and non-polar, at codon 689 of the PIK3AP1 protein (p.Val689Met). This variant is present in population databases (rs371865710, gnomAD 0.01%). This variant has not been reported in the literature in individuals affected with PIK3AP1-related conditions. ClinVar contains an entry for this variant (Variation ID: 655116). An algorithm developed to predict the effect of missense changes on protein structure and function (PolyPhen-2) suggests that this variant is likely to be disruptive. In summary, the available evidence is currently insufficient to determine the role of this variant in disease. Therefore, it has been classified as a Variant of Uncertain Significance.

Ambry Genetics
Classification: Uncertain significance. Last evaluated: 2024-06-28. Review status: criteria provided, single submitter. Criteria: Ambry Variant Classification Scheme 2023. Collection method: clinical testing. Allele origin: germline.

NM_152309.3(PIK3AP1):c.2065G>A (p.Val689Met)

Gene: PIK3AP1 (phosphoinositide-3-kinase adaptor protein 1; minus strand). Cytogenetic location: 10q24.1.
Variant type: single nucleotide variant.
Coding change: c.2065G>A on transcript NM_152309.3 (MANE Select); coding-DNA position 2065, G replaced by A.
Protein change: p.Val689Met; replaces valine 689 with methionine.
Molecular consequence: missense variant.
Genome position (GRCh38, 1-based): chr10:96,609,817, C>T on the plus strand (G>A on the coding strand, the complement: PIK3AP1 is on the minus strand). VCF-style: chr10-96609817-C-T. GRCh37 (hg19) VCF-style: chr10-98369574-C-T.
Other names: short protein forms V689M.
Identifiers: ClinVar variation 655116 (VCV000655116.9), dbSNP rs371865710, ClinGen allele CA5626073.
Genomic context (GRCh38, chr10:96,609,817, plus strand): 5'-GCTCCGTCCTAGGGGGAATGACACTTTTCCTGGGGCCACTCTCATAGACTCCAAACTCCA[C>T]TTTTGCAGGCAGGTGCTGTGAGTGCCGAATTGGGACCGTGATCTCCAAGTCTGGAATTGG-3'
Protein context (NP_689522.2, residues 679-699): IRHSQHLPAK[Val689Met]EFGVYESGPR